The following is an entry in ClinVar:

NM_001458.5(FLNC):c.700-4G>T

Gene: FLNC (filamin C; plus strand). Cytogenetic location: 7q32.1.
Variant type: single nucleotide variant.
Coding change: c.700-4G>T on transcript NM_001458.5 (MANE Select); 4 bases into the intron before coding-DNA position 700, G replaced by T.
Molecular consequence: intron variant.
Genome position (GRCh38, 1-based): chr7:128,837,394, G>T. VCF-style: chr7-128837394-G-T. GRCh37 (hg19) VCF-style: chr7-128477448-G-T.
Other names: c.700-4G>T (NM_001127487.2, NM_001458.4).
Identifiers: ClinVar variation 1545366 (VCV001545366.31), dbSNP rs755636271, ClinGen allele CA4474111.

ClinVar aggregate classification (germline): Likely benign. Review status: criteria provided, multiple submitters, no conflicts (2 of 4 stars). 3 submissions from 3 submitters: Likely benign (3). Last evaluated 2026-01-01.

Conditions:
Cardiovascular phenotype. Identifiers: MedGen CN230736.
Myofibrillar myopathy 5. Also called: Filaminopathy (type); FILAMINOPATHY, AUTOSOMAL DOMINANT. Identifiers: Orphanet 171445, MedGen C1836050, MONDO:0012289, OMIM 609524.
Distal myopathy with posterior leg and anterior hand involvement. Also called: WILLIAMS DISTAL MYOPATHY. Identifiers: Orphanet 63273, MedGen C3279722, MONDO:0013550, OMIM 614065.
Hypertrophic cardiomyopathy 26. Also called: Cardiomyopathy, familial hypertrophic, 26. Identifiers: Orphanet 75249, MedGen C4310749, MONDO:0014883, OMIM 617047.

Allele frequency attached by ClinVar (database versions not stated): gnomAD 0.00001; gnomAD exomes 0.00001; ExAC 0.00002.
gnomAD v4.1: 10 of 1,613,918 alleles (0.00062%); highest among the groups gnomAD compares: Middle Eastern, 0.016%; no homozygotes.

Submissions (3):

CeGaT Center for Human Genetics Tuebingen
Classification: Likely benign. Last evaluated: 2026-01-01. Review status: criteria provided, single submitter. Criteria: CeGaT Center For Human Genetics Tuebingen Variant Classification Criteria Version 2. Collection method: clinical testing. Allele origin: germline. Affected: yes. Observed: 1 variant allele.
Comment: FLNC: BP4

Labcorp Genetics (formerly Invitae), Labcorp
Classification: Likely benign for Distal myopathy with posterior leg and anterior hand involvement; Myofibrillar myopathy 5; Hypertrophic cardiomyopathy 26. Last evaluated: 2025-04-02. Review status: criteria provided, single submitter. Criteria: Invitae Variant Classification Sherloc (09022015). Collection method: clinical testing. Allele origin: germline.

Ambry Genetics
Classification: Likely benign for Cardiovascular phenotype. Last evaluated: 2024-03-05. Review status: criteria provided, single submitter. Criteria: Ambry Variant Classification Scheme 2023. Collection method: clinical testing. Allele origin: germline.